The following is an entry in ClinVar:

ClinVar aggregate classification (germline): Pathogenic/Likely pathogenic. Review status: criteria provided, multiple submitters, no conflicts (2 of 4 stars). 2 submissions from 2 submitters: Pathogenic (1); Likely pathogenic (1). Last evaluated 2025-08-15.

Conditions:
Mitochondrial DNA depletion syndrome 3 (hepatocerebral type). Also called: Mitochondrial DNA depletion syndrome, hepatocerebral form due to DGUOK deficiency; Deoxyguanosine Kinase Deficiency; MITOCHONDRIAL DNA DEPLETION SYNDROME 3. Identifiers: Orphanet 279934, MedGen CN074093, MONDO:0009636, OMIM 251880.

Submissions (2):

Labcorp Genetics (formerly Invitae), Labcorp
Classification: Likely pathogenic. Last evaluated: 2025-08-15. Review status: criteria provided, single submitter. Criteria: Invitae Variant Classification Sherloc (09022015). Collection method: clinical testing. Allele origin: germline.
Comment: This sequence change replaces glutamic acid, which is acidic and polar, with lysine, which is basic and polar, at codon 165 of the DGUOK protein (p.Glu165Lys). This variant is present in population databases (rs760888346, gnomAD 0.004%). This missense change has been observed in individual(s) with clinical features of mitochondrial DNA depletion syndrome (PMID: 19748572, 24423689, 38756539, 39382773). ClinVar contains an entry for this variant (Variation ID: 3895753). Invitae Evidence Modeling of protein sequence and biophysical properties (such as structural, functional, and spatial information, amino acid conservation, physicochemical variation, residue mobility, and thermodynamic stability) indicates that this missense variant is expected to disrupt DGUOK protein function with a positive predictive value of 95%. This variant disrupts the p.Glu165 amino acid residue in DGUOK. Other variant(s) that disrupt this residue have been determined to be pathogenic (PMID: 16263314, 17452231, 21107780, 23783014). This suggests that this residue is clinically significant, and that variants that disrupt this residue are likely to be disease-causing. In summary, the currently available evidence indicates that the variant is pathogenic, but additional data are needed to prove that conclusively. Therefore, this variant has been classified as Likely Pathogenic.

Women's Health and Genetics/Laboratory Corporation of America, LabCorp
Classification: Pathogenic for Mitochondrial DNA depletion syndrome 3 (hepatocerebral type). Last evaluated: 2025-03-10. Review status: criteria provided, single submitter. Criteria: LabCorp Variant Classification Summary - May 2015. Collection method: clinical testing. Allele origin: germline.
Comment: Variant summary: DGUOK c.493G>A (p.Glu165Lys) results in a conservative amino acid change in the encoded protein sequence. Four of five in-silico tools predict a damaging effect of the variant on protein function. The variant was absent in 251490 control chromosomes. c.493G>A has been reported in the literature in multiple homozygous individuals affected with Mitochondrial DNA depletion syndrome 3 (e.g., Poulton_2009, Sezer_2015, Gupta_2024, Manzoni_2024). These data indicate that the variant is very likely to be associated with disease. To our knowledge, no experimental evidence demonstrating an impact on protein function has been reported. The following publications have been ascertained in the context of this evaluation (PMID: 39382773, 38756539, 19748572, 24423689). No submitters have cited clinical-significance assessments for this variant to ClinVar. Based on the evidence outlined above, the variant was classified as pathogenic.

Literature cited by the submitters: PubMed 19748572 (cited by Labcorp Genetics (formerly Invitae), Labcorp and Women's Health and Genetics/Laboratory Corporation of America, LabCorp); PubMed 24423689 (cited by Labcorp Genetics (formerly Invitae), Labcorp and Women's Health and Genetics/Laboratory Corporation of America, LabCorp); PubMed 38756539 (cited by Labcorp Genetics (formerly Invitae), Labcorp and Women's Health and Genetics/Laboratory Corporation of America, LabCorp); PubMed 39382773 (cited by Labcorp Genetics (formerly Invitae), Labcorp and Women's Health and Genetics/Laboratory Corporation of America, LabCorp); PubMed 16263314 (cited by Labcorp Genetics (formerly Invitae), Labcorp); PubMed 17452231 (cited by Labcorp Genetics (formerly Invitae), Labcorp); PubMed 21107780 (cited by Labcorp Genetics (formerly Invitae), Labcorp); PubMed 23783014 (cited by Labcorp Genetics (formerly Invitae), Labcorp).

NM_080916.3(DGUOK):c.493G>A (p.Glu165Lys)

Gene: DGUOK (deoxyguanosine kinase; plus strand). Cytogenetic location: 2p13.1.
Variant type: single nucleotide variant.
Coding change: c.493G>A on transcript NM_080916.3 (MANE Select); coding-DNA position 493, G replaced by A.
Protein change: p.Glu165Lys; replaces glutamic acid 165 with lysine.
Molecular consequence: missense variant. On other transcripts: non-coding transcript variant (2), intron variant (2).
Genome position (GRCh38, 1-based): chr2:73,950,634, G>A. VCF-style: chr2-73950634-G-A. GRCh37 (hg19) VCF-style: chr2-74177761-G-A.
Other names: c.202G>A, p.Glu68Lys (NM_001318860.2, NM_001318861.2); c.184G>A, p.Glu62Lys (NM_001318862.2, NM_001318863.2); c.443+3728G>A (NM_080918.3); c.425+3746G>A (NM_001318859.2); short protein forms E165K, E62K, E68K.
Identifiers: ClinVar variation 3895753 (VCV003895753.2).